The following is an entry in ClinVar:

NM_006904.7(PRKDC):c.1525C>T (p.Arg509Cys)

Gene: PRKDC (protein kinase, DNA-activated, catalytic subunit; minus strand). Cytogenetic location: 8q11.21.
Variant type: single nucleotide variant.
Coding change: c.1525C>T on transcript NM_006904.7 (MANE Select); coding-DNA position 1525, C replaced by T.
Protein change: p.Arg509Cys; replaces arginine 509 with cysteine.
Molecular consequence: missense variant.
Genome position (GRCh38, 1-based): chr8:47,934,063, G>A on the plus strand (C>T on the coding strand, the complement: PRKDC is on the minus strand). VCF-style: chr8-47934063-G-A. GRCh37 (hg19) VCF-style: chr8-48846623-G-A.
Other names: c.1525C>T, p.Arg509Cys (NM_001081640.2); short protein forms R509C.
Identifiers: ClinVar variation 575745 (VCV000575745.10), dbSNP rs147314874, ClinGen allele CA4741703.
Genomic context (GRCh38, chr8:47,934,063, plus strand): 5'-CCACGTAGTCTTTGTATGTGGGCACCTTCCATTTGCCAGTTCTGACTTCCCCTGAAGCAC[G>A]GTGGTCTTCAGATTCAGACTCAGGGCCCTGGCCAGAAAGACAGCATGACAATATGTAGTG-3'
Protein context (NP_008835.5, residues 499-519): KGPESESEDH[Arg509Cys]ASGEVRTGKW

ClinVar aggregate classification (germline): Uncertain significance. Review status: criteria provided, multiple submitters, no conflicts (2 of 4 stars). 3 submissions from 3 submitters: Uncertain significance (3). Last evaluated 2026-01-23.

Conditions:
Severe combined immunodeficiency due to DNA-PKcs deficiency. Also called: Immunodeficiency 26 with or without neurologic abnormalities; IMMUNODEFICIENCY 26 WITH NEUROLOGIC ABNORMALITIES. Identifiers: Orphanet 317425, MedGen C4014833, MONDO:0014423, OMIM 615966.

Allele frequency attached by ClinVar (database versions not stated): ESP Exome Variant Server 0.00008; gnomAD 0.00011 and 0.00013; TOPMed 0.00013; 1000 Genomes Project 30x 0.00016; 1000 Genomes Project 0.00020; ExAC 0.00028; gnomAD exomes 0.00028 and 0.00029.
gnomAD v4.1: 433 of 1,613,582 alleles (0.027%); highest among the groups gnomAD compares: Middle Eastern, 0.2%; 1 homozygote.

Submissions (3):

Women's Health and Genetics/Laboratory Corporation of America, LabCorp
Classification: Uncertain significance. Last evaluated: 2026-01-23. Review status: criteria provided, single submitter. Criteria: LabCorp Variant Classification Summary - May 2015. Collection method: clinical testing. Allele origin: germline.

Labcorp Genetics (formerly Invitae), Labcorp
Classification: Uncertain significance for Severe combined immunodeficiency due to DNA-PKcs deficiency. Last evaluated: 2022-09-19. Review status: criteria provided, single submitter. Criteria: Invitae Variant Classification Sherloc (09022015). Collection method: clinical testing. Allele origin: germline.
Comment: This sequence change replaces arginine, which is basic and polar, with cysteine, which is neutral and slightly polar, at codon 509 of the PRKDC protein (p.Arg509Cys). This variant is present in population databases (rs147314874, gnomAD 0.09%). This variant has not been reported in the literature in individuals affected with PRKDC-related conditions. ClinVar contains an entry for this variant (Variation ID: 575745). In summary, the available evidence is currently insufficient to determine the role of this variant in disease. Therefore, it has been classified as a Variant of Uncertain Significance.

Ambry Genetics
Classification: Uncertain significance. Last evaluated: 2022-09-13. Review status: criteria provided, single submitter. Criteria: Ambry Variant Classification Scheme 2023. Collection method: clinical testing. Allele origin: germline.
Comment: The p.R509C variant (also known as c.1525C>T), located in coding exon 15 of the PRKDC gene, results from a C to T substitution at nucleotide position 1525. The arginine at codon 509 is replaced by cysteine, an amino acid with highly dissimilar properties. This amino acid position is conserved. In addition, this alteration is predicted to be tolerated by in silico analysis. Since supporting evidence is limited at this time, the clinical significance of this alteration remains unclear.